The following is an entry in ClinVar:

ClinVar aggregate classification (germline): Uncertain significance (1 of 4 stars; one submission).

Submission:

Labcorp Genetics (formerly Invitae), Labcorp
Classification: Uncertain significance. Last evaluated: 2023-12-27. Review status: criteria provided, single submitter. Criteria: Invitae Variant Classification Sherloc (09022015). Collection method: clinical testing. Allele origin: germline.
Comment: This sequence change replaces threonine, which is neutral and polar, with alanine, which is neutral and non-polar, at codon 709 of the ASXL2 protein (p.Thr709Ala). This variant is not present in population databases (gnomAD no frequency). This variant has not been reported in the literature in individuals affected with ASXL2-related conditions. Advanced modeling of protein sequence and biophysical properties (such as structural, functional, and spatial information, amino acid conservation, physicochemical variation, residue mobility, and thermodynamic stability) performed at Invitae indicates that this missense variant is not expected to disrupt ASXL2 protein function with a negative predictive value of 80%. In summary, the available evidence is currently insufficient to determine the role of this variant in disease. Therefore, it has been classified as a Variant of Uncertain Significance.

NM_018263.6(ASXL2):c.2125A>G (p.Thr709Ala)

Gene: ASXL2 (ASXL transcriptional regulator 2; minus strand). Cytogenetic location: 2p23.3.
Variant type: single nucleotide variant.
Coding change: c.2125A>G on transcript NM_018263.6 (MANE Select); coding-DNA position 2125, A replaced by G.
Protein change: p.Thr709Ala; replaces threonine 709 with alanine.
Molecular consequence: missense variant.
Genome position (GRCh38, 1-based): chr2:25,744,212, T>C on the plus strand (A>G on the coding strand, the complement: ASXL2 is on the minus strand). VCF-style: chr2-25744212-T-C. GRCh37 (hg19) VCF-style: chr2-25967081-T-C.
Other names: c.1951A>G, p.Thr651Ala (NM_001369346.1); c.1345A>G, p.Thr449Ala (NM_001369347.1); short protein forms T449A, T651A, T709A.
Identifiers: ClinVar variation 2701540 (VCV002701540.3), dbSNP rs2465307188, ClinGen allele CA346082019.